The following is an entry in ClinVar:

NM_024422.6(DSC2):c.2309G>A (p.Gly770Asp)

Gene: DSC2 (desmocollin 2; minus strand). Cytogenetic location: 18q12.1.
Variant type: single nucleotide variant.
Coding change: c.2309G>A on transcript NM_024422.6 (MANE Select); coding-DNA position 2309, G replaced by A.
Protein change: p.Gly770Asp; replaces glycine 770 with aspartic acid.
Molecular consequence: missense variant.
Genome position (GRCh38, 1-based): chr18:31,069,093, C>T on the plus strand (G>A on the coding strand, the complement: DSC2 is on the minus strand). VCF-style: chr18-31069093-C-T. GRCh37 (hg19) VCF-style: chr18-28649059-C-T.
Other names: c.2309G>A (NM_024422.3); c.1880G>A, p.Gly627Asp (NM_001406506.1, NM_001406507.1); c.2309G>A, p.Gly770Asp (NM_004949.5); short protein forms G770D, G627D.
Identifiers: ClinVar variation 2081776 (VCV002081776.6), dbSNP rs1378220202, ClinGen allele CA402111925.
Genomic context (GRCh38, chr18:31,069,093, plus strand): 5'-CCTCCTTTCACCATTTCGATGGTCTCCTGACCTCCGTTTTTGATTCCTGATCCCACGGTG[C>T]CACAAACTCCCTGAGCAGAAGCGCCCACAGTTTGGGTTGTGAAGCCATTCGCAGAATACT-3'
Protein context (NP_077740.1, residues 760-780): TVGASAQGVC[Gly770Asp]TVGSGIKNGG

ClinVar aggregate classification (germline): Conflicting classifications of pathogenicity. Review status: criteria provided, conflicting classifications (1 of 4 stars). 3 submissions from 3 submitters: Uncertain significance (2); Likely benign (1). Last evaluated 2026-01-12.

Conditions:
Arrhythmogenic right ventricular dysplasia 11. Also called: Arrhythmogenic right ventricular dysplasia 11 with mild palmoplantar keratoderma and woolly hair; Arrhythmogenic Right Ventricular Dysplasia/Cardiomyopathy11; ARRHYTHMOGENIC RIGHT VENTRICULAR DYSPLASIA, FAMILIAL, 11. Identifiers: MedGen C1864850, MONDO:0012506, OMIM 610476.
Cardiovascular phenotype. Identifiers: MedGen CN230736.

Allele frequency attached by ClinVar (database versions not stated): gnomAD exomes below 0.00001; TOPMed 0.00001.
gnomAD v4.1: 4 of 1,614,068 alleles (0.00025%); highest among the groups gnomAD compares: Admixed American, 0.005%; no homozygotes.

Submissions (3):

Labcorp Genetics (formerly Invitae), Labcorp
Classification: Uncertain significance for Arrhythmogenic right ventricular dysplasia 11. Last evaluated: 2026-01-12. Review status: criteria provided, single submitter. Criteria: Invitae Variant Classification Sherloc (09022015). Collection method: clinical testing. Allele origin: germline.
Comment: This sequence change replaces glycine, which is neutral and non-polar, with aspartic acid, which is acidic and polar, at codon 770 of the DSC2 protein (p.Gly770Asp). This variant is present in population databases (no rsID available, gnomAD 0.009%). This variant has not been reported in the literature in individuals affected with DSC2-related conditions. ClinVar contains an entry for this variant (Variation ID: 2081776). Invitae Evidence Modeling of protein sequence and biophysical properties (such as structural, functional, and spatial information, amino acid conservation, physicochemical variation, residue mobility, and thermodynamic stability) indicates that this missense variant is not expected to disrupt DSC2 protein function with a negative predictive value of 80%. In summary, the available evidence is currently insufficient to determine the role of this variant in disease. Therefore, it has been classified as a Variant of Uncertain Significance.

Ambry Genetics
Classification: Likely benign for Cardiovascular phenotype. Last evaluated: 2025-10-06. Review status: criteria provided, single submitter. Criteria: Ambry Variant Classification Scheme 2023. Collection method: clinical testing. Allele origin: germline.

Women's Health and Genetics/Laboratory Corporation of America, LabCorp
Classification: Uncertain significance. Last evaluated: 2024-09-04. Review status: criteria provided, single submitter. Criteria: LabCorp Variant Classification Summary - May 2015. Collection method: clinical testing. Allele origin: germline.